The following is an entry in ClinVar:

NM_001035.3(RYR2):c.14210T>G (p.Phe4737Cys)

Gene: RYR2 (ryanodine receptor 2; plus strand). Cytogenetic location: 1q43.
Variant type: single nucleotide variant.
Coding change: c.14210T>G on transcript NM_001035.3 (MANE Select); coding-DNA position 14210, T replaced by G.
Protein change: p.Phe4737Cys; replaces phenylalanine 4737 with cysteine.
Molecular consequence: missense variant.
Genome position (GRCh38, 1-based): chr1:237,806,195, T>G. VCF-style: chr1-237806195-T-G. GRCh37 (hg19) VCF-style: chr1-237969495-T-G.
Other names: short protein forms F4737C.
Identifiers: ClinVar variation 3894330 (VCV003894330.1).

ClinVar aggregate classification (germline): Uncertain significance (1 of 4 stars; one submission).

Conditions:
Cardiomyopathy (CMYO). Also called: Cardiomyopathies. Identifiers: Orphanet 167848, MedGen C0878544, MONDO:0004994, HP:0001638. Inheritance: Various modes of inheritance.

Submission:

Color Diagnostics, LLC DBA Color Health
Classification: Uncertain significance for Cardiomyopathy. Last evaluated: 2024-04-30. Review status: criteria provided, single submitter. Criteria: ACMG Guidelines, 2015. Collection method: clinical testing. Allele origin: germline.
Comment: This missense variant replaces phenylalanine with cysteine at codon 4737 of the RYR2 protein. Computational prediction suggests that this variant may have deleterious impact on protein structure and function (internally defined REVEL score threshold >= 0.7, PMID: 27666373). This variant occurs in a region of the RYR2 protein that is considered to be a hotspot for pathogenic variants that contribute to catecholaminergic polymorphic ventricular tachycardia susceptibility (PMID: 30696458). To our knowledge, functional studies have not been reported for this variant. This variant has not been reported in individuals affected with RYR2-related disorders in the literature. This variant has not been identified in the general population by the Genome Aggregation Database (gnomAD). The available evidence is insufficient to determine the role of this variant in disease conclusively. Therefore, this variant is classified as a Variant of Uncertain Significance.

Literature cited by the submitters: PubMed 30696458.